The following is an entry in ClinVar:

NM_130810.4(DNAAF4):c.554A>G (p.Glu185Gly)

Genes: DNAAF4 (dynein axonemal assembly factor 4; minus strand), DNAAF4-CCPG1 (DNAAF4-CCPG1 readthrough (NMD candidate); minus strand). Cytogenetic location: 15q21.3.
Variant type: single nucleotide variant.
Coding change: c.554A>G on transcript NM_130810.4 (MANE Select); coding-DNA position 554, A replaced by G.
Protein change: p.Glu185Gly; replaces glutamic acid 185 with glycine.
Molecular consequence: missense variant. On other transcripts: non-coding transcript variant (1).
Genome position (GRCh38, 1-based): chr15:55,467,013, T>C on the plus strand (A>G on the coding strand, the complement: DNAAF4 is on the minus strand). VCF-style: chr15-55467013-T-C. GRCh37 (hg19) VCF-style: chr15-55759211-T-C.
Other names: c.554A>G, p.Glu185Gly (NM_001033559.3, NM_001033560.2); short protein forms E185G.
Identifiers: ClinVar variation 961721 (VCV000961721.1), dbSNP rs1444013557, ClinGen allele CA392553317.
Genomic context (GRCh38, chr15:55,467,013, plus strand): 5'-GCCAAATTTCTAGTAAGACTCTTATATTTTATTTTTTTTCTTTCTTCTTTAATTTGCTTT[T>C]CTTTTTGACATAATTTCTCTTCTCTCTGAATTTTTTTTTGCTCCTCAGCTTTTCTTTGAT-3'
Protein context (NP_570722.2, residues 175-195): IQREEKLCQK[Glu185Gly]KQIKEERKKI

ClinVar aggregate classification (germline): Uncertain significance (1 of 4 stars; one submission).

Submission:

Labcorp Genetics (formerly Invitae), Labcorp
Classification: Uncertain significance. Last evaluated: 2019-11-18. Review status: criteria provided, single submitter. Criteria: Invitae Variant Classification Sherloc (09022015). Collection method: clinical testing. Allele origin: germline.
Comment: This sequence change replaces glutamic acid with glycine at codon 185 of the DNAAF4 protein (p.Glu185Gly). The glutamic acid residue is weakly conserved and there is a moderate physicochemical difference between glutamic acid and glycine. This variant is not present in population databases (ExAC no frequency). This variant has not been reported in the literature in individuals with DNAAF4-related conditions. Algorithms developed to predict the effect of missense changes on protein structure and function output the following: SIFT: "Tolerated"; PolyPhen-2: "Benign"; Align-GVGD: "Class C0". The glycine amino acid residue is found in multiple mammalian species, suggesting that this missense change does not adversely affect protein function. These predictions have not been confirmed by published functional studies and their clinical significance is uncertain. In summary, the available evidence is currently insufficient to determine the role of this variant in disease. Therefore, it has been classified as a Variant of Uncertain Significance.